The following is an entry in ClinVar:

NM_023110.3(FGFR1):c.1697A>G (p.Lys566Arg)

Gene: FGFR1 (fibroblast growth factor receptor 1; minus strand). Cytogenetic location: 8p11.23.
Variant type: single nucleotide variant.
Coding change: c.1697A>G on transcript NM_023110.3 (MANE Select); coding-DNA position 1697, A replaced by G.
Protein change: p.Lys566Arg; replaces lysine 566 with arginine.
Molecular consequence: missense variant.
Genome position (GRCh38, 1-based): chr8:38,416,027, T>C on the plus strand (A>G on the coding strand, the complement: FGFR1 is on the minus strand). VCF-style: chr8-38416027-T-C. GRCh37 (hg19) VCF-style: chr8-38273545-T-C.
Other names: c.1691A>G, p.Lys564Arg (NM_001174063.2, NM_001174065.2, NM_001354367.2 and 1 more transcripts); c.1667A>G, p.Lys556Arg (NM_001174064.2); c.1430A>G, p.Lys477Arg (NM_001174066.2, NM_023105.3); c.1790A>G, p.Lys597Arg (NM_001174067.2); c.1418A>G, p.Lys473Arg (NM_001354368.2); c.1685A>G, p.Lys562Arg (NM_001354369.2); c.1424A>G, p.Lys475Arg (NM_001354370.2, NM_023106.3); short protein forms K597R, K564R, K566R, K473R, K475R, K477R, K556R, K562R.
Identifiers: ClinVar variation 1383828 (VCV001383828.6), dbSNP rs531903077, ClinGen allele CA175139944.
Genomic context (GRCh38, chr8:38,416,027, plus strand): 5'-TTGTAGCAGTATTCCAGCCCTGGGGGCCTCCGGGCCTGCAGGTACTCCCGCAGGTTGCCC[T>C]TGGAGGCATACTCCACGATGACATACAAGGGACCTGCAGGCACAGGAGAAGAGGCCATGG-3'
Protein context (NP_075598.2, residues 556-576): PLYVIVEYAS[Lys566Arg]GNLREYLQAR

ClinVar aggregate classification (germline): Uncertain significance (1 of 4 stars; one submission).

Conditions:
Pfeiffer syndrome (ACS5). Also called: ACS V. Identifiers: Orphanet 710, MedGen C0220658, MONDO:0007043, OMIM 101600.
Hypogonadotropic hypogonadism 2 with or without anosmia (HH2). Also called: HYPOGONADOTROPIC HYPOGONADISM 2 WITH OR WITHOUT ANOSMIA, SUSCEPTIBILITY TO; HYPOGONADOTROPIC HYPOGONADISM 2 WITHOUT ANOSMIA, SUSCEPTIBILITY TO; FGFR1-Related GnRH Deficiency (Kallmann Syndrome 2); HYPOGONADOTROPIC HYPOGONADISM 2 WITHOUT ANOSMIA. Identifiers: Orphanet 478, MedGen C1563720, MONDO:0007844, OMIM 147950. Disease mechanism: loss of function.

Allele frequency attached by ClinVar (database versions not stated): gnomAD exomes below 0.00001; gnomAD 0.00001; 1000 Genomes Project 30x 0.00016; 1000 Genomes Project 0.00020.
gnomAD v4.1: 3 of 1,613,562 alleles (0.00019%); highest among the groups gnomAD compares: East Asian, 0.0067%; no homozygotes.

Submission:

Labcorp Genetics (formerly Invitae), Labcorp
Classification: Uncertain significance for Pfeiffer syndrome; Hypogonadotropic hypogonadism 2 with or without anosmia. Last evaluated: 2021-10-10. Review status: criteria provided, single submitter. Criteria: Invitae Variant Classification Sherloc (09022015). Collection method: clinical testing. Allele origin: germline.
Comment: In summary, the available evidence is currently insufficient to determine the role of this variant in disease. Therefore, it has been classified as a Variant of Uncertain Significance. Algorithms developed to predict the effect of missense changes on protein structure and function are either unavailable or do not agree on the potential impact of this missense change (SIFT: "Tolerated"; PolyPhen-2: "Probably Damaging"; Align-GVGD: "Class C0"). This variant has not been reported in the literature in individuals affected with FGFR1-related conditions. This variant is not present in population databases (ExAC no frequency). This sequence change replaces lysine with arginine at codon 566 of the FGFR1 protein (p.Lys566Arg). The lysine residue is highly conserved and there is a small physicochemical difference between lysine and arginine.